The following is an entry in ClinVar:

NM_021005.4(NR2F2):c.616A>C (p.Ile206Leu)

Gene: NR2F2 (nuclear receptor subfamily 2 group F member 2; plus strand). Cytogenetic location: 15q26.2.
Variant type: single nucleotide variant.
Coding change: c.616A>C on transcript NM_021005.4 (MANE Select); coding-DNA position 616, A replaced by C.
Protein change: p.Ile206Leu; replaces isoleucine 206 with leucine.
Molecular consequence: missense variant.
Genome position (GRCh38, 1-based): chr15:96,334,249, A>C. VCF-style: chr15-96334249-A-C. GRCh37 (hg19) VCF-style: chr15-96877478-A-C.
Other names: c.616A>C (NM_021005.3); c.217A>C, p.Ile73Leu (NM_001145155.2); c.157A>C, p.Ile53Leu (NM_001145156.1, NM_001145157.2); short protein forms I206L, I53L, I73L.
Identifiers: ClinVar variation 2733995 (VCV002733995.4), dbSNP rs780916977, ClinGen allele CA7750745.

ClinVar aggregate classification (germline): Uncertain significance. Review status: criteria provided, multiple submitters, no conflicts (2 of 4 stars). 2 submissions from 2 submitters: Uncertain significance (2). Last evaluated 2026-07-14.

Conditions:
Congenital heart defects, multiple types, 4 (CHTD4). Identifiers: MedGen C4014310, MONDO:0014344, OMIM 615779.
NR2F2-related disorder. Also called: NR2F2-related condition.

Allele frequency attached by ClinVar (database versions not stated): ExAC 0.00001; gnomAD exomes 0.00001; TOPMed 0.00001; gnomAD 0.00002.
gnomAD v4.1: 22 of 1,614,014 alleles (0.0014%); highest among the groups gnomAD compares: Non-Finnish European, 0.0018%; no homozygotes.

Submissions (2):

PreventionGenetics, part of Exact Sciences
Classification: Uncertain significance for NR2F2-related condition. Last evaluated: 2026-07-14. Review status: criteria provided, single submitter. Criteria: ACMG Guidelines, 2015. Collection method: clinical testing. Allele origin: germline.
Comment: The NR2F2 c.616A>C variant is predicted to result in the amino acid substitution p.Ile206Leu. To our knowledge, this variant has not been reported in the literature. This variant is reported in 0.0026% of alleles in individuals of European (Non-Finnish) descent in gnomAD. At this time, the clinical significance of this variant is uncertain due to the absence of conclusive functional and genetic evidence.

Labcorp Genetics (formerly Invitae), Labcorp
Classification: Uncertain significance for Congenital heart defects, multiple types, 4. Last evaluated: 2024-10-24. Review status: criteria provided, single submitter. Criteria: Invitae Variant Classification Sherloc (09022015). Collection method: clinical testing. Allele origin: germline.
Comment: This sequence change replaces isoleucine, which is neutral and non-polar, with leucine, which is neutral and non-polar, at codon 206 of the NR2F2 protein (p.Ile206Leu). This variant is present in population databases (rs780916977, gnomAD 0.003%). This variant has not been reported in the literature in individuals affected with NR2F2-related conditions. Invitae Evidence Modeling of protein sequence and biophysical properties (such as structural, functional, and spatial information, amino acid conservation, physicochemical variation, residue mobility, and thermodynamic stability) indicates that this missense variant is not expected to disrupt NR2F2 protein function with a negative predictive value of 80%. In summary, the available evidence is currently insufficient to determine the role of this variant in disease. Therefore, it has been classified as a Variant of Uncertain Significance.